The following is an entry in ClinVar:

NM_001458.5(FLNC):c.5595T>G (p.Tyr1865Ter)

Genes: FLNC-AS1 (FLNC antisense RNA 1; minus strand), FLNC (filamin C; plus strand). Cytogenetic location: 7q32.1.
Variant type: single nucleotide variant.
Coding change: c.5595T>G on transcript NM_001458.5 (MANE Select); coding-DNA position 5595, T replaced by G.
Protein change: p.Tyr1865Ter; replaces tyrosine 1865 with a stop codon.
Molecular consequence: nonsense.
Genome position (GRCh38, 1-based): chr7:128,851,287, T>G. VCF-style: chr7-128851287-T-G. GRCh37 (hg19) VCF-style: chr7-128491341-T-G.
Other names: c.5496T>G, p.Tyr1832Ter (NM_001127487.2); short protein forms Y1832*, Y1865*.
Identifiers: ClinVar variation 4812574 (VCV004812574.1).

ClinVar aggregate classification (germline): Pathogenic (1 of 4 stars; one submission).

Conditions:
Hypertrophic cardiomyopathy 26. Also called: Cardiomyopathy, familial hypertrophic, 26. Identifiers: Orphanet 75249, MedGen C4310749, MONDO:0014883, OMIM 617047.
Myofibrillar myopathy 5. Also called: Filaminopathy (type); FILAMINOPATHY, AUTOSOMAL DOMINANT. Identifiers: Orphanet 171445, MedGen C1836050, MONDO:0012289, OMIM 609524.
Distal myopathy with posterior leg and anterior hand involvement. Also called: WILLIAMS DISTAL MYOPATHY. Identifiers: Orphanet 63273, MedGen C3279722, MONDO:0013550, OMIM 614065.

Submission:

Labcorp Genetics (formerly Invitae), Labcorp
Classification: Pathogenic for Distal myopathy with posterior leg and anterior hand involvement; Myofibrillar myopathy 5; Hypertrophic cardiomyopathy 26. Last evaluated: 2025-12-24. Review status: criteria provided, single submitter. Criteria: Invitae Variant Classification Sherloc (09022015). Collection method: clinical testing. Allele origin: germline.
Comment: This sequence change creates a premature translational stop signal (p.Tyr1865*) in the FLNC gene. It is expected to result in an absent or disrupted protein product. Loss-of-function variants in FLNC are known to be pathogenic (PMID: 27908349). This variant is not present in population databases (gnomAD no frequency). This variant has not been reported in the literature in individuals affected with FLNC-related conditions. For these reasons, this variant has been classified as Pathogenic.

Literature cited by the submitters: PubMed 27908349.